The following is an entry in ClinVar:

NM_002207.3(ITGA9):c.2820C>T (p.Arg940=)

Genes: ITGA9 (integrin subunit alpha 9; plus strand), ITGA9-AS1 (ITGA9 antisense RNA 1; minus strand). Cytogenetic location: 3p22.2.
Variant type: single nucleotide variant.
Coding change: c.2820C>T on transcript NM_002207.3 (MANE Select); coding-DNA position 2820, C replaced by T.
Protein change: p.Arg940=; no amino-acid change (arginine 940 retained).
Molecular consequence: synonymous variant.
Genome position (GRCh38, 1-based): chr3:37,785,009, C>T. VCF-style: chr3-37785009-C-T. GRCh37 (hg19) VCF-style: chr3-37826500-C-T.
Identifiers: ClinVar variation 3046014 (VCV003046014.2), dbSNP rs147528488, ClinGen allele CA2311321.
Genomic context (GRCh38, chr3:37,785,009, plus strand): 5'-CAAGTAAGTTGTGTTGTTTCTTCCACAGGACAGTTCGTCTGTCATCCAGTTCATGTCCCG[C>T]GCCAAGGTGAAGGTGGATCCTGCCCTAAGGGTGGTGGAAATAGCTCATGGGAACCCAGAA-3'
Protein context (NP_002198.2, residues 930-950): DSSSVIQFMS[Arg940=]AKVKVDPALR

ClinVar aggregate classification (germline): Likely benign (0 of 4 stars; one submission).

Conditions:
ITGA9-related disorder. Also called: ITGA9-related condition.

Allele frequency attached by ClinVar (database versions not stated): gnomAD 0.00001; TOPMed 0.00004; gnomAD exomes 0.00005; ESP Exome Variant Server 0.00008; ExAC 0.00012; 1000 Genomes Project 30x 0.00016; 1000 Genomes Project 0.00020.
gnomAD v4.1: 80 of 1,614,092 alleles (0.005%); highest among the groups gnomAD compares: South Asian, 0.065%; 1 homozygote.

Submission:

PreventionGenetics, part of Exact Sciences
Classification: Likely benign for ITGA9-related condition. Last evaluated: 2019-10-28. Review status: no assertion criteria provided. Collection method: clinical testing. Allele origin: germline.
Comment: This variant is classified as likely benign based on ACMG/AMP sequence variant interpretation guidelines (Richards et al. 2015 PMID: 25741868, with internal and published modifications).